The following is an entry in ClinVar:

NM_000322.5(PRPH2):c.935del (p.Val312fs)

Gene: PRPH2 (peripherin 2; minus strand). Cytogenetic location: 6p21.1.
Variant type: Deletion.
Coding change: c.935del on transcript NM_000322.5 (MANE Select); coding-DNA position 935, one base deleted (T; older notation c.935delT).
Protein change: p.Val312fs; shifts the reading frame from valine 312.
Molecular consequence: frameshift variant.
Genome position (GRCh38, 1-based): chr6:42,698,401, A deleted on the plus strand (T on the coding strand, the reverse complement: PRPH2 is on the minus strand). VCF-style (leftmost placement, unchanged base first): chr6-42698400-CA-C. GRCh37 (hg19) VCF-style: chr6-42666138-CA-C.
Other names: short protein forms V312fs.
Identifiers: ClinVar variation 4713950 (VCV004713950.1).

ClinVar aggregate classification (germline): Pathogenic (1 of 4 stars; one submission).

Conditions:
PRPH2-related disorder. Also called: PRPH2-related condition; PRPH2-related disorders. Identifiers: MedGen CN239395.

Submission:

Labcorp Genetics (formerly Invitae), Labcorp
Classification: Pathogenic for PRPH2-related disorder. Last evaluated: 2025-02-26. Review status: criteria provided, single submitter. Criteria: Invitae Variant Classification Sherloc (09022015). Collection method: clinical testing. Allele origin: germline.
Comment: This sequence change creates a premature translational stop signal (p.Val312Glyfs*12) in the PRPH2 gene. While this is not anticipated to result in nonsense mediated decay, it is expected to disrupt the last 35 amino acid(s) of the PRPH2 protein. This variant is not present in population databases (gnomAD no frequency). This variant has not been reported in the literature in individuals affected with PRPH2-related conditions. This variant disrupts a region of the PRPH2 protein in which other variant(s) (p.Val332Glu) have been determined to be pathogenic (PMID: 30718709, 32531846). This suggests that this is a clinically significant region of the protein, and that variants that disrupt it are likely to be disease-causing. For these reasons, this variant has been classified as Pathogenic.

Literature cited by the submitters: PubMed 30718709; PubMed 32531846.